The following is an entry in ClinVar:

ClinVar aggregate classification (germline): Uncertain significance (1 of 4 stars; one submission).

Allele frequency attached by ClinVar (database versions not stated): gnomAD exomes below 0.00001.
gnomAD v4.1: 3 of 1,603,936 alleles (0.00019%); highest among the groups gnomAD compares: Admixed American, 0.0017%; no homozygotes.

Submission:

Labcorp Genetics (formerly Invitae), Labcorp
Classification: Uncertain significance. Last evaluated: 2019-09-26. Review status: criteria provided, single submitter. Criteria: Invitae Variant Classification Sherloc (09022015). Collection method: clinical testing. Allele origin: germline.
Comment: In summary, the available evidence is currently insufficient to determine the role of this variant in disease. Therefore, it has been classified as a Variant of Uncertain Significance. The current clinical and genetic evidence is not sufficient to establish whether loss-of-function variants in CTR9 cause disease. This variant has not been reported in the literature in individuals with CTR9-related conditions. This variant is not present in population databases (ExAC no frequency). This sequence change creates a premature translational stop signal (p.Arg394*) in the CTR9 gene. It is expected to result in an absent or disrupted protein product.

NM_014633.5(CTR9):c.1180C>T (p.Arg394Ter)

Genes: CTR9 (CTR9 component of Paf1/RNA polymerase II complex; plus strand), LOC126861140 (CDK7 strongly-dependent group 2 enhancer GRCh37_chr11:10785333-10786532; plus strand). Cytogenetic location: 11p15.4.
Variant type: single nucleotide variant.
Coding change: c.1180C>T on transcript NM_014633.5 (MANE Select); coding-DNA position 1180, C replaced by T.
Protein change: p.Arg394Ter; replaces arginine 394 with a stop codon.
Molecular consequence: nonsense.
Genome position (GRCh38, 1-based): chr11:10,763,865, C>T. VCF-style: chr11-10763865-C-T. GRCh37 (hg19) VCF-style: chr11-10785412-C-T.
Other names: c.1180C>T, p.Arg394Ter (NM_001346279.2); short protein forms R394*.
Identifiers: ClinVar variation 937009 (VCV000937009.8), dbSNP rs1181045016, ClinGen allele CA379665449.